The following is an entry in ClinVar:

NM_000138.5(FBN1):c.3709A>G (p.Thr1237Ala)

Gene: FBN1 (fibrillin 1; minus strand). Cytogenetic location: 15q21.1.
Variant type: single nucleotide variant.
Coding change: c.3709A>G on transcript NM_000138.5 (MANE Select); coding-DNA position 3709, A replaced by G.
Protein change: p.Thr1237Ala; replaces threonine 1237 with alanine.
Molecular consequence: missense variant.
Genome position (GRCh38, 1-based): chr15:48,485,377, T>C on the plus strand (A>G on the coding strand, the complement: FBN1 is on the minus strand). VCF-style: chr15-48485377-T-C. GRCh37 (hg19) VCF-style: chr15-48777574-T-C.
Other names: short protein forms T1237A.
Identifiers: ClinVar variation 928181 (VCV000928181.8), dbSNP rs1459223225, ClinGen allele CA392324297.

ClinVar aggregate classification (germline): Uncertain significance. Review status: criteria provided, multiple submitters, no conflicts (2 of 4 stars). 3 submissions from 3 submitters: Uncertain significance (3). Last evaluated 2026-01-21.

Conditions:
Familial thoracic aortic aneurysm and aortic dissection (TAAD). Also called: Thoracic aortic aneurysms and dissections. Identifiers: Orphanet 91387, MedGen C4707243, MONDO:0019625.
Marfan syndrome (MFS). Also called: Marfan syndrome, classic; Marfan syndrome type 1; Marfan's syndrome; FBN1-Related Marfan Syndrome; MARFAN SYNDROME, TYPE I. Identifiers: Orphanet 284963, Orphanet 558, MedGen C0024796, MONDO:0007947, OMIM 154700.

Allele frequency attached by ClinVar (database versions not stated): gnomAD exomes below 0.00001.
gnomAD v4.1: 1 of 1,614,194 alleles (0.000062%); highest among the groups gnomAD compares: Non-Finnish European, 0.000085%; no homozygotes.

Submissions (3):

Dasa
Classification: Uncertain significance. Last evaluated: 2026-01-21. Review status: criteria provided, single submitter. Criteria: DASA Assertion Criteria. Collection method: clinical testing. Allele origin: germline.
Comment: NM_000138.5(FBN1):c.3709A>G (p.Thr1237Ala) is a missense variant that results in the substitution of threonine with alanine. This variant is rare in population databases. The currently available literature and clinical evidence are not sufficient to establish a definitive association between this variant and the reported condition. Therefore, this variant is classified as a variant of uncertain significance.

Color Diagnostics, LLC DBA Color Health
Classification: Uncertain significance for Familial thoracic aortic aneurysm and aortic dissection. Last evaluated: 2024-03-06. Review status: criteria provided, single submitter. Criteria: ACMG Guidelines, 2015. Collection method: clinical testing. Allele origin: germline.
Comment: This missense variant replaces threonine with alanine at codon 1237 of the FBN1 protein. Computational prediction tool indicates that this variant may have a neutral impact on protein structure and function. To our knowledge, functional studies have not been reported for this variant. This variant has not been reported in individuals affected with FBN1-related disorders in the literature. This variant has been identified in 1/251468 chromosomes in the general population by the Genome Aggregation Database (gnomAD). The available evidence is insufficient to determine the role of this variant in disease conclusively. Therefore, this variant is classified as a Variant of Uncertain Significance.

All of Us Research Program, National Institutes of Health
Classification: Uncertain significance for Marfan syndrome. Last evaluated: 2023-12-18. Review status: criteria provided, single submitter. Criteria: ACMG Guidelines, 2015. Collection method: clinical testing. Allele origin: germline. Inheritance: Autosomal dominant inheritance. Observed: 1 variant allele, 1 heterozygote.
Comment: This missense variant replaces threonine with alanine at codon 1237 of the FBN1 protein. Computational prediction suggests that this variant may not impact protein structure and function (internally defined REVEL score threshold <= 0.5, PMID: 27666373). Splice site prediction tools suggest that this variant may not impact RNA splicing. To our knowledge, functional studies have not been performed for this variant. This variant has not been reported in individuals affected with cardiovascular disorders in the literature. This variant has been identified in 1/251468 chromosomes in the general population by the Genome Aggregation Database (gnomAD). The available evidence is insufficient to determine the role of this variant in disease conclusively. Therefore, this variant is classified as a Variant of Uncertain Significance.

This study involves interpretation of variants in research participants for the purpose of population health screening. Participant phenotype was not available at the time of variant classification. Additional details can be found in publication PMID: 35346344, PMCID: PMC8962531